The following is an entry in ClinVar:

NM_002474.3(MYH11):c.2285G>A (p.Arg762Lys)

Gene: MYH11 (myosin heavy chain 11; minus strand). Cytogenetic location: 16p13.11.
Variant type: single nucleotide variant.
Coding change: c.2285G>A on transcript NM_002474.3 (MANE Select); coding-DNA position 2285, G replaced by A.
Protein change: p.Arg762Lys; replaces arginine 762 with lysine.
Molecular consequence: missense variant.
Genome position (GRCh38, 1-based): chr16:15,747,696, C>T on the plus strand (G>A on the coding strand, the complement: MYH11 is on the minus strand). VCF-style: chr16-15747696-C-T. GRCh37 (hg19) VCF-style: chr16-15841553-C-T.
Other names: c.2306G>A, p.Arg769Lys (NM_001040113.2, NM_001040114.2); c.2285G>A, p.Arg762Lys (NM_022844.3); short protein forms R762K, R769K.
Identifiers: ClinVar variation 1720700 (VCV001720700.5), dbSNP rs2506266819, ClinGen allele CA394867484.

ClinVar aggregate classification (germline): Uncertain significance (1 of 4 stars; one submission).

Conditions:
Aortic aneurysm, familial thoracic 4 (AAT4). Also called: AORTIC ANEURYSM/AORTIC DISSECTION AND PATENT DUCTUS ARTERIOSUS. Identifiers: MedGen C1851504, MONDO:0007568, OMIM 132900.

Submission:

Labcorp Genetics (formerly Invitae), Labcorp
Classification: Uncertain significance for Aortic aneurysm, familial thoracic 4. Last evaluated: 2022-09-30. Review status: criteria provided, single submitter. Criteria: Invitae Variant Classification Sherloc (09022015). Collection method: clinical testing. Allele origin: germline.
Comment: This variant has not been reported in the literature in individuals affected with MYH11-related conditions. In summary, the available evidence is currently insufficient to determine the role of this variant in disease. Therefore, it has been classified as a Variant of Uncertain Significance. Advanced modeling of protein sequence and biophysical properties (such as structural, functional, and spatial information, amino acid conservation, physicochemical variation, residue mobility, and thermodynamic stability) performed at Invitae indicates that this missense variant is not expected to disrupt MYH11 protein function. This variant is not present in population databases (gnomAD no frequency). This sequence change replaces arginine, which is basic and polar, with lysine, which is basic and polar, at codon 769 of the MYH11 protein (p.Arg769Lys).